The following is an entry in ClinVar:

NM_000540.3(RYR1):c.1152C>T (p.Asp384=)

Gene: RYR1 (ryanodine receptor 1; plus strand). Cytogenetic location: 19q13.2.
Variant type: single nucleotide variant.
Coding change: c.1152C>T on transcript NM_000540.3 (MANE Select); coding-DNA position 1152, C replaced by T.
Protein change: p.Asp384=; no amino-acid change (aspartic acid 384 retained).
Molecular consequence: synonymous variant.
Genome position (GRCh38, 1-based): chr19:38,451,793, C>T. VCF-style: chr19-38451793-C-T. GRCh37 (hg19) VCF-style: chr19-38942433-C-T.
Other names: c.1152C>T, p.Asp384= (NM_001042723.2).
Identifiers: ClinVar variation 256408 (VCV000256408.15), dbSNP rs149770144, ClinGen allele CA057111.

ClinVar aggregate classification (germline): Benign/Likely benign. Review status: criteria provided, multiple submitters, no conflicts (2 of 4 stars). 4 submissions from 4 submitters: Benign (2); Likely benign (2). Last evaluated 2026-01-28.

Conditions:
RYR1-related disorder. Also called: RYR1-related condition; RYR1-related disorders. Identifiers: MedGen CN239331.
Malignant hyperthermia, susceptibility to, 1 (MHS1). Also called: RYR1-Related Malignant Hyperthermia Susceptibility; Anesthesia related hyperthermia; Malignant hyperpyrexia; Fulminating hyperpyrexia; Pharmacogenic myopathy; Malignant hyperthermia suceptibility 1. Identifiers: Orphanet 423, MedGen C2930980, MONDO:0007783, OMIM 145600.

Allele frequency attached by ClinVar (database versions not stated): gnomAD exomes 0.00006 and 0.00015; 1000 Genomes Project 30x 0.00016; ExAC 0.00019; 1000 Genomes Project 0.00020; gnomAD 0.00044 and 0.00047; TOPMed 0.00048; ESP Exome Variant Server 0.00085.
gnomAD v4.1: 148 of 1,614,104 alleles (0.0092%); highest among the groups gnomAD compares: African/African-American, 0.15%; no homozygotes.

Submissions (4):

Labcorp Genetics (formerly Invitae), Labcorp
Classification: Likely benign for RYR1-related disorder. Last evaluated: 2026-01-28. Review status: criteria provided, single submitter. Criteria: Invitae Variant Classification Sherloc (09022015). Collection method: clinical testing. Allele origin: germline.

All of Us Research Program, National Institutes of Health
Classification: Benign for Malignant hyperthermia, susceptibility to, 1. Last evaluated: 2024-02-05. Review status: criteria provided, single submitter. Criteria: ACMG Guidelines, 2015. Collection method: clinical testing. Allele origin: germline. Inheritance: Autosomal dominant inheritance. Observed: 28 variant alleles, 28 heterozygotes.
Comment: This study involves interpretation of variants in research participants for the purpose of population health screening. Participant phenotype was not available at the time of variant classification. Additional details can be found in publication PMID: 35346344, PMCID: PMC8962531

Color Diagnostics, LLC DBA Color Health
Classification: Benign for Malignant hyperthermia, susceptibility to, 1. Last evaluated: 2022-10-03. Review status: criteria provided, single submitter. Criteria: ACMG Guidelines, 2015. Collection method: clinical testing. Allele origin: germline.

PreventionGenetics, part of Exact Sciences
Classification: Likely benign. Review status: criteria provided, single submitter. Criteria: ACMG Guidelines, 2015. Collection method: clinical testing. Allele origin: germline.